The following is an entry in ClinVar:

ClinVar aggregate classification (germline): Benign/Likely benign. Review status: criteria provided, multiple submitters, no conflicts (2 of 4 stars). 2 submissions from 2 submitters: Benign (1); Likely benign (1). Last evaluated 2025-09-14.

Conditions:
RAI1-related disorder. Also called: RAI1-related condition.

Allele frequency attached by ClinVar (database versions not stated): gnomAD 0.00002 and 0.00009; TOPMed 0.00002; gnomAD exomes 0.00003 and 0.00019; ExAC 0.00004; 1000 Genomes Project 30x 0.00016; 1000 Genomes Project 0.00020.
gnomAD v4.1: 282 of 1,614,060 alleles (0.017%); highest among the groups gnomAD compares: East Asian, 0.62%; 2 homozygotes.

Submissions (2):

Labcorp Genetics (formerly Invitae), Labcorp
Classification: Benign. Last evaluated: 2025-09-14. Review status: criteria provided, single submitter. Criteria: Invitae Variant Classification Sherloc (09022015). Collection method: clinical testing. Allele origin: germline.

PreventionGenetics, part of Exact Sciences
Classification: Likely benign for RAI1-related condition. Last evaluated: 2024-11-08. Review status: criteria provided, single submitter. Criteria: ACMG Guidelines, 2015. Collection method: clinical testing. Allele origin: germline.
Comment: This variant is classified as likely benign based on ACMG/AMP sequence variant interpretation guidelines (Richards et al. 2015 PMID: 25741868, with internal and published modifications).

NM_030665.4(RAI1):c.1133G>C (p.Ser378Thr)

Gene: RAI1 (retinoic acid induced 1; plus strand). Cytogenetic location: 17p11.2.
Variant type: single nucleotide variant.
Coding change: c.1133G>C on transcript NM_030665.4 (MANE Select); coding-DNA position 1133, G replaced by C.
Protein change: p.Ser378Thr; replaces serine 378 with threonine.
Molecular consequence: missense variant.
Genome position (GRCh38, 1-based): chr17:17,794,081, G>C. VCF-style: chr17-17794081-G-C. GRCh37 (hg19) VCF-style: chr17-17697395-G-C.
Other names: c.1133G>C (NM_030665.3); short protein forms S378T.
Identifiers: ClinVar variation 1492556 (VCV001492556.7), dbSNP rs200822410, ClinGen allele CA8418275.